The following is an entry in ClinVar:

ClinVar aggregate classification (germline): Uncertain significance. Review status: criteria provided, multiple submitters, no conflicts (2 of 4 stars). 2 submissions from 2 submitters: Uncertain significance (2). Last evaluated 2025-04-09.

Conditions:
Inborn genetic diseases. Identifiers: MedGen C0950123, MeSH D030342.

Allele frequency attached by ClinVar (database versions not stated): gnomAD exomes below 0.00001; ExAC 0.00002; TOPMed 0.00003.
gnomAD v4.1: 5 of 1,614,086 alleles (0.00031%); highest among the groups gnomAD compares: Middle Eastern, 0.016%; no homozygotes.

Submissions (2):

Labcorp Genetics (formerly Invitae), Labcorp
Classification: Uncertain significance. Last evaluated: 2025-04-09. Review status: criteria provided, single submitter. Criteria: Invitae Variant Classification Sherloc (09022015). Collection method: clinical testing. Allele origin: germline.
Comment: This sequence change replaces arginine, which is basic and polar, with glycine, which is neutral and non-polar, at codon 2147 of the GPR179 protein (p.Arg2147Gly). This variant is present in population databases (rs756281238, gnomAD 0.002%), including at least one homozygous and/or hemizygous individual. This variant has not been reported in the literature in individuals affected with GPR179-related conditions. ClinVar contains an entry for this variant (Variation ID: 1913845). An algorithm developed to predict the effect of missense changes on protein structure and function (PolyPhen-2) suggests that this variant is likely to be tolerated. In summary, the available evidence is currently insufficient to determine the role of this variant in disease. Therefore, it has been classified as a Variant of Uncertain Significance.

Ambry Genetics
Classification: Uncertain significance for Inborn genetic diseases. Last evaluated: 2025-03-20. Review status: criteria provided, single submitter. Criteria: Ambry Variant Classification Scheme 2023. Collection method: clinical testing. Allele origin: germline.

NM_001004334.4(GPR179):c.6439A>G (p.Arg2147Gly)

Gene: GPR179 (G protein-coupled receptor 179; minus strand). Cytogenetic location: 17q12.
Variant type: single nucleotide variant.
Coding change: c.6439A>G on transcript NM_001004334.4 (MANE Select); coding-DNA position 6439, A replaced by G.
Protein change: p.Arg2147Gly; replaces arginine 2147 with glycine.
Molecular consequence: missense variant.
Genome position (GRCh38, 1-based): chr17:38,327,130, T>C on the plus strand (A>G on the coding strand, the complement: GPR179 is on the minus strand). VCF-style: chr17-38327130-T-C. GRCh37 (hg19) VCF-style: chr17-36483013-T-C.
Other names: c.6439A>G (NM_001004334.2); short protein forms R2147G.
Identifiers: ClinVar variation 1913845 (VCV001913845.6), dbSNP rs756281238, ClinGen allele CA290102945.